The following is an entry in ClinVar:

ClinVar aggregate classification (germline): Pathogenic. Review status: criteria provided, multiple submitters, no conflicts (2 of 4 stars). 2 submissions from 2 submitters: Pathogenic (2). Last evaluated 2024-06-04.

Conditions:
Aicardi-Goutieres syndrome 2. Identifiers: Orphanet 51, MedGen C3489724, MONDO:0012429, OMIM 610181.

Allele frequency attached by ClinVar (database versions not stated): TOPMed below 0.00001; gnomAD exomes below 0.00001; gnomAD 0.00001.

Submissions (2):

Myriad Genetics, Inc.
Classification: Pathogenic for Aicardi-Goutieres syndrome 2. Last evaluated: 2024-06-04. Review status: criteria provided, single submitter. Criteria: Myriad Autosomal Dominant, Autosomal Recessive and X-Linked Classification Criteria (2023). Collection method: clinical testing. Allele origin: unknown.
Comment: NM_024570.3(RNASEH2B):c.667G>T(E223*) is expected to be pathogenic in the context of Aicardi-Goutieres syndrome, RNASEH2B-related. This variant is predicted to lead to an abnormal or absent protein product due to the creation of a premature termination codon in RNASEH2B, a gene where loss-of-function variants are known to be pathogenic. Please note: this variant was assessed in the context of healthy population screening.

Labcorp Genetics (formerly Invitae), Labcorp
Classification: Pathogenic for Aicardi-Goutieres syndrome 2. Last evaluated: 2024-03-20. Review status: criteria provided, single submitter. Criteria: Invitae Variant Classification Sherloc (09022015). Collection method: clinical testing. Allele origin: germline.
Comment: This sequence change creates a premature translational stop signal (p.Glu223*) in the RNASEH2B gene. It is expected to result in an absent or disrupted protein product. Loss-of-function variants in RNASEH2B are known to be pathogenic (PMID: 17846997). This variant is not present in population databases (gnomAD no frequency). This variant has not been reported in the literature in individuals affected with RNASEH2B-related conditions. ClinVar contains an entry for this variant (Variation ID: 540251). Algorithms developed to predict the effect of sequence changes on RNA splicing suggest that this variant may disrupt the consensus splice site. For these reasons, this variant has been classified as Pathogenic.

Literature cited by the submitters: PubMed 17846997 (cited by Labcorp Genetics (formerly Invitae), Labcorp).

NM_024570.4(RNASEH2B):c.667G>T (p.Glu223Ter)

Gene: RNASEH2B (ribonuclease H2 subunit B; plus strand). Cytogenetic location: 13q14.3.
Variant type: single nucleotide variant.
Coding change: c.667G>T on transcript NM_024570.4 (MANE Select); coding-DNA position 667, G replaced by T.
Protein change: p.Glu223Ter; replaces glutamic acid 223 with a stop codon.
Molecular consequence: nonsense.
Genome position (GRCh38, 1-based): chr13:50,948,037, G>T. VCF-style: chr13-50948037-G-T. GRCh37 (hg19) VCF-style: chr13-51522173-G-T.
Other names: c.667G>T, p.Glu223Ter (NM_001142279.2); short protein forms E223*.
Identifiers: ClinVar variation 540251 (VCV000540251.8), dbSNP rs1555257383, ClinGen allele CA388259875.